The following is an entry in ClinVar:

NM_015662.3(IFT172):c.282G>A (p.Lys94=)

Gene: IFT172 (intraflagellar transport 172; minus strand). Cytogenetic location: 2p23.3.
Variant type: single nucleotide variant.
Coding change: c.282G>A on transcript NM_015662.3 (MANE Select); coding-DNA position 282, G replaced by A.
Protein change: p.Lys94=; no amino-acid change (lysine 94 retained).
Molecular consequence: synonymous variant.
Genome position (GRCh38, 1-based): chr2:27,485,032, C>T on the plus strand (G>A on the coding strand, the complement: IFT172 is on the minus strand). VCF-style: chr2-27485032-C-T. GRCh37 (hg19) VCF-style: chr2-27707899-C-T.
Other names: c.282G>A, p.Lys94= (NM_001410739.1); c.282G>A (NM_015662.2).
Identifiers: ClinVar variation 2924212 (VCV002924212.4), dbSNP rs749078135, ClinGen allele CA1581061.

ClinVar aggregate classification (germline): Likely benign. Review status: criteria provided, multiple submitters, no conflicts (2 of 4 stars). 2 submissions from 2 submitters: Likely benign (2). Last evaluated 2024-11-13.

Conditions:
IFT172-related disorder. Also called: IFT172-related condition; IFT172-related disorders.
Short-rib thoracic dysplasia 10 with or without polydactyly (SRTD10). Identifiers: Orphanet 474, MedGen C3810175, MONDO:0014284, OMIM 615630.
Retinitis pigmentosa 71 (RP71). Identifiers: Orphanet 791, MedGen C4225342, MONDO:0014618, OMIM 616394.

Allele frequency attached by ClinVar (database versions not stated): TOPMed below 0.00001; gnomAD exomes 0.00001; ExAC 0.00002.
gnomAD v4.1: 5 of 1,578,624 alleles (0.00032%); highest among the groups gnomAD compares: Admixed American, 0.0067%; no homozygotes.

Submissions (2):

PreventionGenetics, part of Exact Sciences
Classification: Likely benign for IFT172-related condition. Last evaluated: 2024-11-13. Review status: criteria provided, single submitter. Criteria: ACMG Guidelines, 2015. Collection method: clinical testing. Allele origin: germline.
Comment: This variant is classified as likely benign based on ACMG/AMP sequence variant interpretation guidelines (Richards et al. 2015 PMID: 25741868, with internal and published modifications).

Labcorp Genetics (formerly Invitae), Labcorp
Classification: Likely benign for Retinitis pigmentosa 71; Short-rib thoracic dysplasia 10 with or without polydactyly. Last evaluated: 2024-09-30. Review status: criteria provided, single submitter. Criteria: Invitae Variant Classification Sherloc (09022015). Collection method: clinical testing. Allele origin: germline.